The following is an entry in ClinVar:

NM_001458.5(FLNC):c.1469G>A (p.Arg490His)

Gene: FLNC (filamin C; plus strand). Cytogenetic location: 7q32.1.
Variant type: single nucleotide variant.
Coding change: c.1469G>A on transcript NM_001458.5 (MANE Select); coding-DNA position 1469, G replaced by A.
Protein change: p.Arg490His; replaces arginine 490 with histidine.
Molecular consequence: missense variant.
Genome position (GRCh38, 1-based): chr7:128,840,080, G>A. VCF-style: chr7-128840080-G-A. GRCh37 (hg19) VCF-style: chr7-128480134-G-A.
Other names: c.1469G>A, p.Arg490His (NM_001127487.2); short protein forms R490H.
Identifiers: ClinVar variation 577227 (VCV000577227.16), dbSNP rs1046320257, ClinGen allele CA166216085.

ClinVar aggregate classification (germline): Conflicting classifications of pathogenicity. Review status: criteria provided, conflicting classifications (1 of 4 stars). 3 submissions from 3 submitters: Uncertain significance (2); Likely benign (1). Last evaluated 2025-10-06.

Conditions:
Cardiovascular phenotype. Identifiers: MedGen CN230736.
Distal myopathy with posterior leg and anterior hand involvement. Also called: WILLIAMS DISTAL MYOPATHY. Identifiers: Orphanet 63273, MedGen C3279722, MONDO:0013550, OMIM 614065.
Myofibrillar myopathy 5. Also called: FILAMINOPATHY, AUTOSOMAL DOMINANT; Filaminopathy (type). Identifiers: Orphanet 171445, MedGen C1836050, MONDO:0012289, OMIM 609524.
Hypertrophic cardiomyopathy 26. Also called: Cardiomyopathy, familial hypertrophic, 26. Identifiers: Orphanet 75249, MedGen C4310749, MONDO:0014883, OMIM 617047.

Allele frequency attached by ClinVar (database versions not stated): gnomAD 0.00001; gnomAD exomes 0.00001; TOPMed 0.00002.
gnomAD v4.1: 12 of 1,614,030 alleles (0.00074%); highest among the groups gnomAD compares: Admixed American, 0.0033%; no homozygotes.

Submissions (3):

Labcorp Genetics (formerly Invitae), Labcorp
Classification: Likely benign for Distal myopathy with posterior leg and anterior hand involvement; Myofibrillar myopathy 5; Hypertrophic cardiomyopathy 26. Last evaluated: 2025-10-06. Review status: criteria provided, single submitter. Criteria: Invitae Variant Classification Sherloc (09022015). Collection method: clinical testing. Allele origin: germline.

Ambry Genetics
Classification: Uncertain significance for Cardiovascular phenotype. Last evaluated: 2025-06-07. Review status: criteria provided, single submitter. Criteria: Ambry Variant Classification Scheme 2023. Collection method: clinical testing. Allele origin: germline.
Comment: The p.R490H variant (also known as c.1469G>A), located in coding exon 9 of the FLNC gene, results from a G to A substitution at nucleotide position 1469. The arginine at codon 490 is replaced by histidine, an amino acid with highly similar properties. This amino acid position is highly conserved in available vertebrate species. In addition, this alteration is predicted to be deleterious by in silico analysis. Since supporting evidence is limited at this time, the clinical significance of this alteration remains unclear.

GeneDx
Classification: Uncertain significance. Last evaluated: 2020-02-28. Review status: criteria provided, single submitter. Criteria: GeneDx Variant Classification Process June 2021. Collection method: clinical testing. Allele origin: germline. Affected: yes.
Comment: Has not been previously published as pathogenic or benign to our knowledge; Not observed at a significant frequency in large population cohorts (Lek et al., 2016); In silico analysis supports that this missense variant has a deleterious effect on protein structure/function